The following is an entry in ClinVar:

NM_000492.4(CFTR):c.1756A>G (p.Ile586Val)

Gene: CFTR (CF transmembrane conductance regulator; plus strand). Cytogenetic location: 7q31.2.
Variant type: single nucleotide variant.
Coding change: c.1756A>G on transcript NM_000492.4 (MANE Select); coding-DNA position 1756, A replaced by G.
Protein change: p.Ile586Val; replaces isoleucine 586 with valine.
Molecular consequence: missense variant.
Genome position (GRCh38, 1-based): chr7:117,590,429, A>G. VCF-style: chr7-117590429-A-G. GRCh37 (hg19) VCF-style: chr7-117230483-A-G.
Other names: I586V.
Identifiers: ClinVar variation 1706045 (VCV001706045.4), dbSNP rs1792008735, ClinGen allele CA368977287.

ClinVar aggregate classification (germline): Uncertain significance. Review status: criteria provided, multiple submitters, no conflicts (2 of 4 stars). 2 submissions from 2 submitters: Uncertain significance (2). Last evaluated 2025-09-12.

Conditions:
Cystic fibrosis (CF). Also called: MUCOVISCIDOSIS. Identifiers: Orphanet 586, MedGen C0010674, MONDO:0009061, OMIM 219700. Disease mechanism: loss of function.

Allele frequency attached by ClinVar (database versions not stated): gnomAD exomes below 0.00001; TOPMed below 0.00001.
gnomAD v4.1: 1 of 1,601,820 alleles (0.000062%); highest among the groups gnomAD compares: Non-Finnish European, 0.000085%; no homozygotes.

Submissions (2):

Women's Health and Genetics/Laboratory Corporation of America, LabCorp
Classification: Uncertain significance. Last evaluated: 2025-09-12. Review status: criteria provided, single submitter. Criteria: LabCorp Variant Classification Summary - May 2015. Collection method: clinical testing. Allele origin: germline.
Comment: Variant summary: CFTR c.1756A>G (p.Ile586Val) results in a conservative amino acid change located in the first ATP-binding domain (IPR003439) of the encoded protein sequence. Algorithms developed to predict the effect of missense changes on protein structure and function are either unavailable or do not agree on the potential impact of this missense change. The variant was absent in 249702 control chromosomes (gnomAD v2.1). The available data on variant occurrences in the general population are insufficient to allow any conclusion about variant significance. c.1756A>G has been reported in the literature in at least one individual affected with Cystic Fibrosis (Ahting_2023), however the authors of this study classified the variant as VUS. These report(s) do not provide unequivocal conclusions about association of the variant with Cystic Fibrosis. At least one publication reports experimental evidence evaluating an impact on protein function (Bihler_2024). These results showed no damaging effect of this variant. The following publications have been ascertained in the context of this evaluation (PMID: 37867076, 38388235, 19897426). ClinVar contains an entry for this variant (Variation ID: 1706045). Based on the evidence outlined above, the variant was classified as uncertain significance.

Institute of Human Genetics, University of Leipzig Medical Center
Classification: Uncertain significance for Cystic fibrosis. Last evaluated: 2022-09-05. Review status: criteria provided, single submitter. Criteria: ACMG Guidelines, 2015. Collection method: curation. Allele origin: unknown. Affected: yes. Observed: 1 variant allele.
Comment: The variant was classified in the context of a project re-classifying variants in the German Cystic Fibrosis Registry (Muko.e.V.). Criteria applied: PM2_SUP

Literature cited by the submitters: PubMed 19897426 (cited by Women's Health and Genetics/Laboratory Corporation of America, LabCorp); PubMed 37867076 (cited by Women's Health and Genetics/Laboratory Corporation of America, LabCorp); PubMed 38388235 (cited by Women's Health and Genetics/Laboratory Corporation of America, LabCorp).